The following is an entry in ClinVar:

ClinVar aggregate classification (germline): Likely benign. Review status: criteria provided, multiple submitters, no conflicts (2 of 4 stars). 3 submissions from 3 submitters: Likely benign (3). Last evaluated 2025-12-12.

Conditions:
Tuberous sclerosis 2 (TSC2). Identifiers: Orphanet 805, MedGen C1860707, MONDO:0013199, OMIM 613254.

Allele frequency attached by ClinVar (database versions not stated): TOPMed below 0.00001; gnomAD 0.00001.
gnomAD v4.1: 9 of 1,612,654 alleles (0.00056%); highest among the groups gnomAD compares: Admixed American, 0.005%; no homozygotes.

Submissions (3):

Labcorp Genetics (formerly Invitae), Labcorp
Classification: Likely benign for Tuberous sclerosis 2. Last evaluated: 2025-12-12. Review status: criteria provided, single submitter. Criteria: Invitae Variant Classification Sherloc (09022015). Collection method: clinical testing. Allele origin: germline.

Myriad Genetics, Inc.
Classification: Likely benign for Tuberous sclerosis 2. Last evaluated: 2025-05-28. Review status: criteria provided, single submitter. Criteria: Myriad Autosomal Dominant, Autosomal Recessive and X-Linked Classification Criteria (2023). Collection method: clinical testing. Allele origin: unknown.
Comment: This variant is considered likely benign. This variant is intronic and is not expected to impact mRNA splicing.

Quest Diagnostics Nichols Institute San Juan Capistrano
Classification: Likely benign. Last evaluated: 2024-12-03. Review status: criteria provided, single submitter. Criteria: Quest Diagnostics criteria. Collection method: clinical testing. Allele origin: unknown.

NM_000548.5(TSC2):c.3284+10C>T

Gene: TSC2 (TSC complex subunit 2; plus strand). Cytogenetic location: 16p13.3.
Variant type: single nucleotide variant.
Coding change: c.3284+10C>T on transcript NM_000548.5 (MANE Select); 10 bases into the intron after coding-DNA position 3284, C replaced by T.
Molecular consequence: intron variant.
Genome position (GRCh38, 1-based): chr16:2,079,438, C>T. VCF-style: chr16-2079438-C-T. GRCh37 (hg19) VCF-style: chr16-2129439-C-T.
Other names: c.3284+10C>T (NM_001114382.3); c.3155+10C>T (NM_021055.3, NM_001370405.1, NM_001363528.2); c.3152+10C>T (NM_001370404.1, NM_001077183.3); c.3044+10C>T (NM_001318827.2); c.2552+10C>T (NM_001318831.2); c.3008+10C>T (NM_001318829.2); c.3185+10C>T (NM_001318832.2).
Identifiers: ClinVar variation 536063 (VCV000536063.15), dbSNP rs776269274, ClinGen allele CA045151.